The following is an entry in ClinVar:

ClinVar aggregate classification (germline): Uncertain significance. Review status: criteria provided, multiple submitters, no conflicts (2 of 4 stars). 2 submissions from 2 submitters: Uncertain significance (2). Last evaluated 2024-09-05.

Conditions:
Emery-Dreifuss muscular dystrophy 4, autosomal dominant (EDMD4). Also called: EMERY-DREIFUSS MUSCULAR DYSTROPHY 4 WITH VARIABLE FEATURES. Identifiers: Orphanet 261, MedGen C2751807, MONDO:0013071, OMIM 612998.
Autosomal recessive ataxia, Beauce type. Also called: SYNE1 Deficiency; Spinocerebellar ataxia, autosomal recessive 8; ATAXIA, RECESSIVE, OF BEAUCE; SYNE1-Related Autosomal Recessive Cerebellar Ataxia. Identifiers: Orphanet 88644, MedGen C1853116, MONDO:0012549, OMIM 610743.

Allele frequency attached by ClinVar (database versions not stated): gnomAD exomes below 0.00001; TOPMed 0.00003.
gnomAD v4.1: 6 of 1,612,600 alleles (0.00037%); highest among the groups gnomAD compares: African/African-American, 0.0013%; no homozygotes.

Submissions (2):

Labcorp Genetics (formerly Invitae), Labcorp
Classification: Uncertain significance for Emery-Dreifuss muscular dystrophy 4, autosomal dominant; Autosomal recessive ataxia, Beauce type. Last evaluated: 2024-09-05. Review status: criteria provided, single submitter. Criteria: Invitae Variant Classification Sherloc (09022015). Collection method: clinical testing. Allele origin: germline.
Comment: This sequence change replaces glutamic acid, which is acidic and polar, with aspartic acid, which is acidic and polar, at codon 7783 of the SYNE1 protein (p.Glu7783Asp). This variant is present in population databases (no rsID available, gnomAD 0.007%). This variant has not been reported in the literature in individuals affected with SYNE1-related conditions. ClinVar contains an entry for this variant (Variation ID: 500407). An algorithm developed to predict the effect of missense changes on protein structure and function (PolyPhen-2) suggests that this variant is likely to be disruptive. In summary, the available evidence is currently insufficient to determine the role of this variant in disease. Therefore, it has been classified as a Variant of Uncertain Significance.

Eurofins Ntd Llc (ga)
Classification: Uncertain significance. Last evaluated: 2018-02-07. Review status: criteria provided, single submitter. Criteria: EGL Classification Definitions 2015. Collection method: clinical testing. Allele origin: germline. Observed: 2 variant alleles, 2 heterozygotes.

NM_182961.4(SYNE1):c.23562G>T (p.Glu7854Asp)

Gene: SYNE1 (spectrin repeat containing nuclear envelope protein 1; minus strand). Cytogenetic location: 6q25.2.
Variant type: single nucleotide variant.
Coding change: c.23562G>T on transcript NM_182961.4 (MANE Select); coding-DNA position 23562, G replaced by T.
Protein change: p.Glu7854Asp; replaces glutamic acid 7854 with aspartic acid.
Molecular consequence: missense variant.
Genome position (GRCh38, 1-based): chr6:152,176,459, C>A on the plus strand (G>T on the coding strand, the complement: SYNE1 is on the minus strand). VCF-style: chr6-152176459-C-A. GRCh37 (hg19) VCF-style: chr6-152497594-C-A.
Other names: c.168G>T, p.Glu56Asp (NM_001347701.2); c.23349G>T, p.Glu7783Asp (NM_033071.5); short protein forms E7783D, E7854D, E56D.
Identifiers: ClinVar variation 500407 (VCV000500407.13), dbSNP rs894257787, ClinGen allele CA150191424.
Genomic context (GRCh38, chr6:152,176,459, plus strand): 5'-TGCAATGAGGTCCAGGAGATGCTGCCACCGGTCGTTGACCTTTCCCAGCTTGTATTCAAT[C>A]TCAGATGCTTTGCTTTCATGGCTGGCTTTAGCAAGTCGTTCTCCCATTTGTTGGAGCTGT-3'
Protein context (NP_892006.3, residues 7844-7864): AKASHESKAS[Glu7854Asp]IEYKLGKVND